The following is an entry in ClinVar:

NM_005002.5(NDUFA9):c.394C>T (p.Arg132Ter)

Gene: NDUFA9 (NADH:ubiquinone oxidoreductase subunit A9; plus strand). Cytogenetic location: 12p13.32.
Variant type: single nucleotide variant.
Coding change: c.394C>T on transcript NM_005002.5 (MANE Select); coding-DNA position 394, C replaced by T.
Protein change: p.Arg132Ter; replaces arginine 132 with a stop codon.
Molecular consequence: nonsense.
Genome position (GRCh38, 1-based): chr12:4,657,823, C>T. VCF-style: chr12-4657823-C-T. GRCh37 (hg19) VCF-style: chr12-4766989-C-T.
Other names: short protein forms R132*.
Identifiers: ClinVar variation 2229490 (VCV002229490.2), dbSNP rs760993624, ClinGen allele CA6398085.

ClinVar aggregate classification (germline): Pathogenic (1 of 4 stars; one submission).

Conditions:
Inborn genetic diseases. Identifiers: MedGen C0950123, MeSH D030342.

Allele frequency attached by ClinVar (database versions not stated): TOPMed below 0.00001; gnomAD 0.00001; gnomAD exomes 0.00002; ExAC 0.00003.
gnomAD v4.1: 35 of 1,612,700 alleles (0.0022%); highest among the groups gnomAD compares: Non-Finnish European, 0.0025%; no homozygotes.

Submission:

Ambry Genetics
Classification: Pathogenic for Inborn genetic diseases. Last evaluated: 2021-03-23. Review status: criteria provided, single submitter. Criteria: Ambry Variant Classification Scheme 2023. Collection method: clinical testing. Allele origin: germline.
Comment: The c.394C>T (p.R132*) alteration, located in exon 4 (coding exon 4) of the NDUFA9 gene, consists of a C to T substitution at nucleotide position 394. This changes the amino acid from an arginine (R) to a stop codon at amino acid position 132. This alteration is expected to result in loss of function by premature protein truncation or nonsense-mediated mRNA decay. Based on the available evidence, this alteration is classified as pathogenic.